The following is an entry in ClinVar:

NM_001366722.1(GRIP1):c.1199-1G>A

Gene: GRIP1 (glutamate receptor interacting protein 1; minus strand). Cytogenetic location: 12q14.3.
Variant type: single nucleotide variant.
Coding change: c.1199-1G>A on transcript NM_001366722.1 (MANE Select); the canonical splice acceptor site of the intron before coding-DNA position 1199, G replaced by A.
Molecular consequence: splice acceptor variant. On other transcripts: intron variant (3).
Genome position (GRCh38, 1-based): chr12:66,455,565, C>T on the plus strand (G>A on the coding strand, the complement: GRIP1 is on the minus strand). VCF-style: chr12-66455565-C-T. GRCh37 (hg19) VCF-style: chr12-66849345-C-T.
Other names: c.1046-4G>A (NM_001379351.1); c.1046-1G>A (NM_001379349.1); c.1121-4G>A (NM_001379348.1, NM_001366723.1); c.1121-1G>A (NM_001379347.1, NM_001366724.1); c.1277-1G>A (NM_001379345.1); c.1043-1G>A (NM_001178074.2, NM_021150.4); c.1199-1G>A (NM_001379346.1).
Identifiers: ClinVar variation 2805894 (VCV002805894.5), dbSNP rs772813442, ClinGen allele CA6674439.

ClinVar aggregate classification (germline): Likely pathogenic. Review status: criteria provided, multiple submitters, no conflicts (2 of 4 stars). 2 submissions from 2 submitters: Likely pathogenic (2). Last evaluated 2025-01-24.

Conditions:
Fraser syndrome 1 (FRASRS1). Also called: CRYPTOPHTHALMOS WITH OTHER MALFORMATIONS. Identifiers: Orphanet 2052, MedGen C4551480, MONDO:0054737, OMIM 219000.

Allele frequency attached by ClinVar (database versions not stated): gnomAD exomes below 0.00001; TOPMed below 0.00001; ExAC 0.00001; gnomAD 0.00001.
gnomAD v4.1: 3 of 1,613,638 alleles (0.00019%); highest among the groups gnomAD compares: East Asian, 0.0022%; no homozygotes.

Submissions (2):

Women's Health and Genetics/Laboratory Corporation of America, LabCorp
Classification: Likely pathogenic for Fraser syndrome 1. Last evaluated: 2025-01-24. Review status: criteria provided, single submitter. Criteria: LabCorp Variant Classification Summary - May 2015. Collection method: clinical testing. Allele origin: germline.
Comment: Variant summary: GRIP1 c.1043-1G>A is located in a canonical splice-site and is predicted to affect mRNA splicing resulting in a significantly altered protein due to either exon skipping, shortening, or inclusion of intronic material. Variants that disrupt the consensus splice site are a relatively common cause of aberrant splicing and loss of GRIP1 function. Several computational tools predict a significant impact on normal splicing: Four predict the variant abolishes a 3' acceptor site. Four predict the variant creates a cryptic 3' acceptor site. However, these predictions have yet to be confirmed by functional studies. The variant allele was found at a frequency of 4e-06 in 249380 control chromosomes. To our knowledge, no occurrence of c.1043-1G>A in individuals affected with Cryptophthalmos Syndrome and no experimental evidence demonstrating its impact on protein function have been reported. ClinVar contains an entry for this variant (Variation ID: 2805894). Based on the evidence outlined above, the variant was classified as likely pathogenic.

Labcorp Genetics (formerly Invitae), Labcorp
Classification: Likely pathogenic. Last evaluated: 2023-11-22. Review status: criteria provided, single submitter. Criteria: Invitae Variant Classification Sherloc (09022015). Collection method: clinical testing. Allele origin: germline.
Comment: This sequence change affects an acceptor splice site in intron 9 of the GRIP1 gene. It is expected to disrupt RNA splicing. Variants that disrupt the donor or acceptor splice site typically lead to a loss of protein function (PMID: 16199547), and loss-of-function variants in GRIP1 are known to be pathogenic (PMID: 22510445, 24357607). This variant is present in population databases (rs772813442, gnomAD 0.006%). This variant has not been reported in the literature in individuals affected with GRIP1-related conditions. Algorithms developed to predict the effect of sequence changes on RNA splicing suggest that this variant may disrupt the consensus splice site. In summary, the currently available evidence indicates that the variant is pathogenic, but additional data are needed to prove that conclusively. Therefore, this variant has been classified as Likely Pathogenic.

Literature cited by the submitters: PubMed 16199547 (cited by Labcorp Genetics (formerly Invitae), Labcorp); PubMed 22510445 (cited by Labcorp Genetics (formerly Invitae), Labcorp); PubMed 24357607 (cited by Labcorp Genetics (formerly Invitae), Labcorp).